The following is an entry in ClinVar:

NM_001032283.3(TMPO):c.565+1587G>A

Gene: TMPO (thymopoietin; plus strand). Cytogenetic location: 12q23.1.
Variant type: single nucleotide variant.
Coding change: c.565+1587G>A on transcript NM_001032283.3 (MANE Select); 1587 bases into the intron after coding-DNA position 565, G replaced by A.
Molecular consequence: intron variant. On other transcripts: missense variant (1).
Genome position (GRCh38, 1-based): chr12:98,533,425, G>A. VCF-style: chr12-98533425-G-A. GRCh37 (hg19) VCF-style: chr12-98927203-G-A.
Other names: c.1168G>A, p.Val390Ile (NM_003276.2); c.565+1587G>A (NM_001307975.2, NM_001032284.3); short protein forms V390I.
Identifiers: ClinVar variation 2904278 (VCV002904278.4), dbSNP rs1877341732, ClinGen allele CA386152617.
Genomic context (GRCh38, chr12:98,533,425, plus strand): 5'-TCTCCGCCACTTGCCCAGGCAATCAGAGATTATGTCAATTCTCTGTTGGTCCAGGGTGGG[G>A]TAGGTAGTTTGCCTGGAACTTCTAACTCTATGCCCCCACTGGATGTAGAAAACATACAGA-3'

ClinVar aggregate classification (germline): Uncertain significance. Review status: criteria provided, multiple submitters, no conflicts (2 of 4 stars). 2 submissions from 2 submitters: Uncertain significance (2). Last evaluated 2025-05-08.

Conditions:
Loeys-Dietz syndrome 2 (LDS2). Also called: TGFBR2-Related Loeys-Dietz Syndrome; Marfan syndrome, type 2 (formerly); Marfan Syndrome type 2; Marfan like connective tissue disorder; MFS 2; AORTIC ANEURYSM, FAMILIAL THORACIC 3. Identifiers: Orphanet 284973, Orphanet 558, MedGen C2674574, MONDO:0012427, OMIM 610168.

Allele frequency attached by ClinVar (database versions not stated): gnomAD exomes below 0.00001; TOPMed below 0.00001.
gnomAD v4.1: 1 of 1,614,196 alleles (0.000062%); highest among the groups gnomAD compares: Non-Finnish European, 0.000085%; no homozygotes.

Submissions (2):

Ambry Genetics
Classification: Uncertain significance. Last evaluated: 2025-05-08. Review status: criteria provided, single submitter. Criteria: Ambry Variant Classification Scheme 2023. Collection method: clinical testing. Allele origin: germline.
Comment: The p.V390I variant (also known as c.1168G>A), located in coding exon 4 of the TMPO gene, results from a G to A substitution at nucleotide position 1168. The valine at codon 390 is replaced by isoleucine, an amino acid with highly similar properties. This amino acid position is conserved. In addition, this alteration is predicted to be tolerated by in silico analysis. Based on the available evidence, the clinical significance of this variant remains unclear.

Labcorp Genetics (formerly Invitae), Labcorp
Classification: Uncertain significance for Loeys-Dietz syndrome 2. Last evaluated: 2023-09-18. Review status: criteria provided, single submitter. Criteria: Invitae Variant Classification Sherloc (09022015). Collection method: clinical testing. Allele origin: germline.
Comment: In summary, the available evidence is currently insufficient to determine the role of this variant in disease. Therefore, it has been classified as a Variant of Uncertain Significance. Advanced modeling of protein sequence and biophysical properties (such as structural, functional, and spatial information, amino acid conservation, physicochemical variation, residue mobility, and thermodynamic stability) performed at Invitae indicates that this missense variant is not expected to disrupt TMPO protein function. This variant has not been reported in the literature in individuals affected with TMPO-related conditions. This variant is not present in population databases (gnomAD no frequency). This sequence change replaces valine, which is neutral and non-polar, with isoleucine, which is neutral and non-polar, at codon 390 of the TMPO protein (p.Val390Ile).